The following is an entry in ClinVar:

NM_000231.3(SGCG):c.526G>C (p.Glu176Gln)

Gene: SGCG (sarcoglycan gamma; plus strand). Cytogenetic location: 13q12.12.
Variant type: single nucleotide variant.
Coding change: c.526G>C on transcript NM_000231.3 (MANE Select); coding-DNA position 526, G replaced by C.
Protein change: p.Glu176Gln; replaces glutamic acid 176 with glutamine.
Molecular consequence: missense variant.
Genome position (GRCh38, 1-based): chr13:23,295,435, G>C. VCF-style: chr13-23295435-G-C. GRCh37 (hg19) VCF-style: chr13-23869574-G-C.
Other names: c.580G>C, p.Glu194Gln (NM_001378244.1); c.526G>C, p.Glu176Gln (NM_001378245.1, NM_001378246.1); short protein forms E176Q, E194Q.
Identifiers: ClinVar variation 502667 (VCV000502667.6), dbSNP rs768134426, ClinGen allele CA6909729.

ClinVar aggregate classification (germline): Uncertain significance. Review status: criteria provided, multiple submitters, no conflicts (2 of 4 stars). 2 submissions from 2 submitters: Uncertain significance (2). Last evaluated 2025-11-13.

Conditions:
Autosomal recessive limb-girdle muscular dystrophy type 2C (LGMDR5). Also called: MUSCULAR DYSTROPHY, DUCHENNE-LIKE; MUSCULAR DYSTROPHY, LIMB-GIRDLE, AUTOSOMAL RECESSIVE 5. Identifiers: Orphanet 353, MedGen C0410173, MONDO:0009677, OMIM 253700. Disease mechanism: Affects gamma-sarcoglycan and also disrupts the integrity of the entire sarcoglycan complex..

Allele frequency attached by ClinVar (database versions not stated): TOPMed 0.00005.
gnomAD v4.1: 6 of 1,613,872 alleles (0.00037%); highest among the groups gnomAD compares: African/African-American, 0.0053%; no homozygotes.

Submissions (2):

Myriad Genetics, Inc.
Classification: Uncertain significance for Autosomal recessive limb-girdle muscular dystrophy type 2C. Last evaluated: 2025-11-13. Review status: criteria provided, single submitter. Criteria: Myriad Autosomal Dominant, Autosomal Recessive and X-Linked Classification Criteria (2023). Collection method: clinical testing. Allele origin: unknown.
Comment: NM_000231.2(SGCG):c.526G>C(E176Q) is a missense variant classified as a variant of uncertain significance in the context of gamma-sarcoglycanopathy. E176Q has not been observed in cases with relevant disease. Relevant functional assessments of this variant are not available in the literature. E176Q has been observed in referenced population frequency databases. In summary, there is insufficient evidence to classify NM_000231.2(SGCG):c.526G>C(E176Q) as pathogenic or benign. Please note: this variant was assessed in the context of healthy population screening.

Eurofins Ntd Llc (ga)
Classification: Uncertain significance. Last evaluated: 2017-06-21. Review status: criteria provided, single submitter. Criteria: EGL Classification Definitions 2015. Collection method: clinical testing. Allele origin: germline. Observed: 1 variant allele, 1 heterozygote.